The following is an entry in ClinVar:

NM_002103.5(GYS1):c.984C>T (p.Ile328=)

Gene: GYS1 (glycogen synthase 1; minus strand). Cytogenetic location: 19q13.33.
Variant type: single nucleotide variant.
Coding change: c.984C>T on transcript NM_002103.5 (MANE Select); coding-DNA position 984, C replaced by T.
Protein change: p.Ile328=; no amino-acid change (isoleucine 328 retained).
Molecular consequence: synonymous variant. On other transcripts: non-coding transcript variant (1).
Genome position (GRCh38, 1-based): chr19:48,982,333, G>A on the plus strand (C>T on the coding strand, the complement: GYS1 is on the minus strand). VCF-style: chr19-48982333-G-A. GRCh37 (hg19) VCF-style: chr19-49485590-G-A.
Other names: c.792C>T, p.Ile264= (NM_001161587.2); c.984C>T (NM_002103.4).
Identifiers: ClinVar variation 1641620 (VCV001641620.11), dbSNP rs769000809, ClinGen allele CA9563145.

ClinVar aggregate classification (germline): Likely benign. Review status: criteria provided, multiple submitters, no conflicts (2 of 4 stars). 3 submissions from 3 submitters: Likely benign (2). 1 of the submissions does not count toward it. Last evaluated 2021-04-29.

Conditions:
GYS1-related disorder. Also called: GYS1-related condition.
Glycogen storage disease due to muscle and heart glycogen synthase deficiency. Also called: MUSCLE GLYCOGEN SYNTHASE DEFICIENCY; GSD 0b. Identifiers: Orphanet 137625, MedGen C1969054, MONDO:0012693, OMIM 611556.

Allele frequency attached by ClinVar (database versions not stated): TOPMed below 0.00001; ExAC 0.00002; gnomAD exomes 0.00002 and 0.00003.
gnomAD v4.1: 36 of 1,613,784 alleles (0.0022%); highest among the groups gnomAD compares: East Asian, 0.0089%; no homozygotes.

Submissions (3):

Labcorp Genetics (formerly Invitae), Labcorp
Classification: Likely benign for Glycogen storage disease due to muscle and heart glycogen synthase deficiency. Last evaluated: 2021-04-29. Review status: criteria provided, single submitter. Criteria: Invitae Variant Classification Sherloc (09022015). Collection method: clinical testing. Allele origin: germline.

Breakthrough Genomics
Classification: Likely benign. Review status: criteria provided, single submitter. Criteria: ACMG Guidelines, 2015. Collection method: not provided. Allele origin: germline. Inheritance: Autosomal recessive inheritance. Affected: yes.

PreventionGenetics, part of Exact Sciences
Classification: Likely benign for GYS1-related condition. Last evaluated: 2020-12-31. Review status: no assertion criteria provided. Collection method: clinical testing. Allele origin: germline. Not counted in ClinVar's aggregate classification.
Comment: This variant is classified as likely benign based on ACMG/AMP sequence variant interpretation guidelines (Richards et al. 2015 PMID: 25741868, with internal and published modifications).